The following is an entry in ClinVar:

ClinVar aggregate classification (germline): Likely benign. Review status: criteria provided, multiple submitters, no conflicts (2 of 4 stars). 2 submissions from 2 submitters: Likely benign (2). Last evaluated 2025-07-22.

Conditions:
MYH7B-related disorder. Also called: MYH7B-related condition.

gnomAD v4.1: 95 of 1,613,384 alleles (0.0059%); highest among the groups gnomAD compares: African/African-American, 0.087%; no homozygotes.

Submissions (2):

Labcorp Genetics (formerly Invitae), Labcorp
Classification: Likely benign. Last evaluated: 2025-07-22. Review status: criteria provided, single submitter. Criteria: Invitae Variant Classification Sherloc (09022015). Collection method: clinical testing. Allele origin: germline.

PreventionGenetics, part of Exact Sciences
Classification: Likely benign for MYH7B-related condition. Last evaluated: 2024-12-10. Review status: criteria provided, single submitter. Criteria: ACMG Guidelines, 2015. Collection method: clinical testing. Allele origin: germline.
Comment: This variant is classified as likely benign based on ACMG/AMP sequence variant interpretation guidelines (Richards et al. 2015 PMID: 25741868, with internal and published modifications).

NM_020884.7(MYH7B):c.3834G>A (p.Ala1278=)

Gene: MYH7B (myosin heavy chain 7B; plus strand). Cytogenetic location: 20q11.22.
Variant type: single nucleotide variant.
Coding change: c.3834G>A on transcript NM_020884.7 (MANE Select); coding-DNA position 3834, G replaced by A.
Protein change: p.Ala1278=; no amino-acid change (alanine 1278 retained).
Molecular consequence: synonymous variant.
Genome position (GRCh38, 1-based): chr20:34,998,381, G>A. VCF-style: chr20-34998381-G-A. GRCh37 (hg19) VCF-style: chr20-33586184-G-A.
Other names: c.3960G>A (NM_020884.4).
Identifiers: ClinVar variation 4811241 (VCV004811241.2).
Genomic context (GRCh38, chr20:34,998,381, plus strand): 5'-CTATGAGGATCAGCTAAGCGAGGCCAAGATCAAGGTGGAGGAGCTGCAGCGGCAGCTGGC[G>A]GACGCAAGCACGCAGCGTGGGCGACTACAGACGGAAAGCGGTGAGGCTGGGGCTCAGCTG-3'
Protein context (NP_065935.4, residues 1268-1288): IKVEELQRQL[Ala1278=]DASTQRGRLQ